The following is an entry in ClinVar:

ClinVar aggregate classification (germline): Uncertain significance (1 of 4 stars; one submission).

Conditions:
Marfan syndrome (MFS). Also called: FBN1-Related Marfan Syndrome; MARFAN SYNDROME, TYPE I; Marfan syndrome type 1; Marfan's syndrome; Marfan syndrome, classic. Identifiers: Orphanet 284963, Orphanet 558, MedGen C0024796, MONDO:0007947, OMIM 154700.
Familial thoracic aortic aneurysm and aortic dissection (TAAD). Also called: Thoracic aortic aneurysms and dissections. Identifiers: Orphanet 91387, MedGen C4707243, MONDO:0019625.

Submission:

Labcorp Genetics (formerly Invitae), Labcorp
Classification: Uncertain significance for Marfan syndrome; Familial thoracic aortic aneurysm and aortic dissection. Last evaluated: 2025-06-09. Review status: criteria provided, single submitter. Criteria: Invitae Variant Classification Sherloc (09022015). Collection method: clinical testing. Allele origin: germline.
Comment: This sequence change falls in intron 33 of the FBN1 gene. It does not directly change the encoded amino acid sequence of the FBN1 protein. It affects a nucleotide within the consensus splice site. This variant is not present in population databases (gnomAD no frequency). This variant has been observed in individual(s) with Marfan syndrome (internal data). Variants that disrupt the consensus splice site are a relatively common cause of aberrant splicing (PMID: 17576681, 9536098). Algorithms developed to predict the effect of sequence changes on RNA splicing suggest that this variant may disrupt the consensus splice site. In summary, the available evidence is currently insufficient to determine the role of this variant in disease. Therefore, it has been classified as a Variant of Uncertain Significance.

Literature cited by the submitters: PubMed 17576681; PubMed 9536098.

NM_000138.5(FBN1):c.4087+3G>T

Gene: FBN1 (fibrillin 1; minus strand). Cytogenetic location: 15q21.1.
Variant type: single nucleotide variant.
Coding change: c.4087+3G>T on transcript NM_000138.5 (MANE Select); 3 bases into the intron after coding-DNA position 4087, G replaced by T.
Molecular consequence: intron variant.
Genome position (GRCh38, 1-based): chr15:48,474,525, C>A on the plus strand (G>T on the coding strand, the complement: FBN1 is on the minus strand). VCF-style: chr15-48474525-C-A. GRCh37 (hg19) VCF-style: chr15-48766722-C-A.
Other names: c.4087+3G>T (NM_001406716.1).
Identifiers: ClinVar variation 4785237 (VCV004785237.1).